The following is an entry in ClinVar:

ClinVar aggregate classification (germline): Benign/Likely benign. Review status: criteria provided, multiple submitters, no conflicts (2 of 4 stars). 4 submissions from 4 submitters: Benign (1); Likely benign (3). Last evaluated 2025-01-23.

Conditions:
Hereditary nonpolyposis colorectal neoplasms. Identifiers: MedGen C0009405, MeSH D003123.
Hereditary cancer-predisposing syndrome. Also called: Hereditary neoplastic syndrome; Hereditary Cancer Syndrome; Neoplastic Syndromes, Hereditary; Tumor predisposition. Identifiers: Orphanet 140162, MedGen C0027672, MeSH D009386, MONDO:0015356.
Lynch syndrome 5 (LYNCH5). Also called: Hereditary non-polyposis colorectal cancer, type 5; Colorectal cancer, hereditary nonpolyposis, type 5. Identifiers: Orphanet 144, MedGen C1833477, MONDO:0013710, OMIM 614350. Disease mechanism: loss of function.

Submissions (4):

Labcorp Genetics (formerly Invitae), Labcorp
Classification: Likely benign for Hereditary nonpolyposis colorectal neoplasms. Last evaluated: 2025-01-23. Review status: criteria provided, single submitter. Criteria: Invitae Variant Classification Sherloc (09022015). Collection method: clinical testing. Allele origin: germline.

Myriad Genetics, Inc.
Classification: Benign for Lynch syndrome 5. Last evaluated: 2024-12-16. Review status: criteria provided, single submitter. Criteria: Myriad Autosomal Dominant, Autosomal Recessive and X-Linked Classification Criteria (2023). Collection method: clinical testing. Allele origin: unknown.
Comment: This variant is considered benign. This variant is a silent/synonymous amino acid change and it is not expected to impact splicing.

Color Diagnostics, LLC DBA Color Health
Classification: Likely benign for Hereditary cancer-predisposing syndrome. Last evaluated: 2017-11-20. Review status: criteria provided, single submitter. Criteria: ACMG Guidelines, 2015. Collection method: clinical testing. Allele origin: germline.

Ambry Genetics
Classification: Likely benign for Hereditary cancer-predisposing syndrome. Last evaluated: 2016-11-29. Review status: criteria provided, single submitter. Criteria: Ambry Variant Classification Scheme 2023. Collection method: clinical testing. Allele origin: germline.

NM_000179.3(MSH6):c.60C>T (p.Ala20=)

Gene: MSH6 (mutS homolog 6; plus strand). Cytogenetic location: 2p16.3.
Variant type: single nucleotide variant.
Coding change: c.60C>T on transcript NM_000179.3 (MANE Select); coding-DNA position 60, C replaced by T.
Protein change: p.Ala20=; no amino-acid change (alanine 20 retained).
Molecular consequence: synonymous variant. On other transcripts: 5 prime UTR variant (1).
Genome position (GRCh38, 1-based): chr2:47,783,293, C>T. VCF-style: chr2-47783293-C-T. GRCh37 (hg19) VCF-style: chr2-48010432-C-T.
Other names: c.60C>T, p.Ala20= (NM_001281492.2); c.-677C>T (NM_001281493.2).
Identifiers: ClinVar variation 237211 (VCV000237211.19), dbSNP rs878853749, ClinGen allele CA10582030.